The following is an entry in ClinVar:

ClinVar aggregate classification (germline): Likely benign. Review status: criteria provided, multiple submitters, no conflicts (2 of 4 stars). 4 submissions from 4 submitters: Likely benign (4). Last evaluated 2026-07-01.

Conditions:
Dilated cardiomyopathy 1G (CMD1G). Identifiers: Orphanet 154, MedGen C1858763, MONDO:0011400, OMIM 604145.
Autosomal recessive limb-girdle muscular dystrophy type 2J (LGMDR10). Also called: Limb-girdle muscular dystrophy, type 2J; MUSCULAR DYSTROPHY, LIMB-GIRDLE, AUTOSOMAL RECESSIVE 10. Identifiers: Orphanet 140922, MedGen C1837342, MONDO:0012127, OMIM 608807.

Allele frequency attached by ClinVar (database versions not stated): ExAC 0.00002; gnomAD exomes 0.00002; TOPMed 0.00002.
gnomAD v4.1: 27 of 1,605,806 alleles (0.0017%); highest among the groups gnomAD compares: East Asian, 0.0022%; no homozygotes.

Submissions (4):

CeGaT Center for Human Genetics Tuebingen
Classification: Likely benign. Last evaluated: 2026-07-01. Review status: criteria provided, single submitter. Criteria: CeGaT Center For Human Genetics Tuebingen Variant Classification Criteria Version 2. Collection method: clinical testing. Allele origin: germline. Affected: yes. Observed: 1 variant allele.
Comment: TTN: BP4, BP7

Labcorp Genetics (formerly Invitae), Labcorp
Classification: Likely benign for Dilated cardiomyopathy 1G; Autosomal recessive limb-girdle muscular dystrophy type 2J. Last evaluated: 2025-08-01. Review status: criteria provided, single submitter. Criteria: Invitae Variant Classification Sherloc (09022015). Collection method: clinical testing. Allele origin: germline.

Molecular Diagnostic Laboratory for Inherited Cardiovascular Disease, Montreal Heart Institute
Classification: Likely benign. Last evaluated: 2025-04-09. Review status: criteria provided, single submitter. Criteria: ACMG Guidelines, 2015. Collection method: clinical testing. Allele origin: germline. Affected: no.
Comment: BP6;BP7

Athena Diagnostics
Classification: Likely benign. Last evaluated: 2017-09-05. Review status: criteria provided, single submitter. Criteria: Athena Diagnostics Criteria. Collection method: clinical testing. Allele origin: germline.

NM_001267550.2(TTN):c.15459C>T (p.Val5153=)

Gene: TTN (titin; minus strand). Cytogenetic location: 2q31.2.
Variant type: single nucleotide variant.
Coding change: c.15459C>T on transcript NM_001267550.2 (MANE Select); coding-DNA position 15459, C replaced by T.
Protein change: p.Val5153=; no amino-acid change (valine 5153 retained).
Molecular consequence: synonymous variant. On other transcripts: intron variant (3).
Genome position (GRCh38, 1-based): chr2:178,734,365, G>A on the plus strand (C>T on the coding strand, the complement: TTN is on the minus strand). VCF-style: chr2-178734365-G-A. GRCh37 (hg19) VCF-style: chr2-179599092-G-A.
Other names: c.14508C>T, p.Val4836= (NM_001256850.1); c.11727C>T, p.Val3909= (NM_133378.4); c.13282+3717C>T (NM_003319.4); c.13858+3717C>T (NM_133437.4); c.13657+3717C>T (NM_133432.3); c.15459C>T (LRG_391t1).
Identifiers: ClinVar variation 586870 (VCV000586870.15), dbSNP rs762428326, ClinGen allele CA2002227.